The following is an entry in ClinVar:

NM_000539.3(RHO):c.675G>C (p.Gln225His)

Gene: RHO (rhodopsin; plus strand). Cytogenetic location: 3q22.1.
Variant type: single nucleotide variant.
Coding change: c.675G>C on transcript NM_000539.3 (MANE Select); coding-DNA position 675, G replaced by C.
Protein change: p.Gln225His; replaces glutamine 225 with histidine.
Molecular consequence: missense variant.
Genome position (GRCh38, 1-based): chr3:129,532,395, G>C. VCF-style: chr3-129532395-G-C. GRCh37 (hg19) VCF-style: chr3-129251238-G-C.
Other names: short protein forms Q225H.
Identifiers: ClinVar variation 4964129 (VCV004964129.2).

ClinVar aggregate classification (germline): Uncertain significance. Review status: criteria provided, multiple submitters, no conflicts (2 of 4 stars). 2 submissions from 2 submitters: Uncertain significance (2). Last evaluated 2026-03-26.

Conditions:
RHO-related disorder. Also called: RHO-related condition.

gnomAD v4.1: 6 of 1,613,886 alleles (0.00037%); highest among the groups gnomAD compares: Non-Finnish European, 0.00051%; no homozygotes.

Submissions (2):

PreventionGenetics, part of Exact Sciences
Classification: Uncertain significance for RHO-related condition. Last evaluated: 2026-03-26. Review status: criteria provided, single submitter. Criteria: ACMG Guidelines, 2015. Collection method: clinical testing. Allele origin: germline.
Comment: The RHO c.675G>C variant is predicted to result in the amino acid substitution p.Gln225His. To our knowledge, this variant has not been reported in the literature. This variant is reported in 0.0065% of alleles in individuals of European (Non-Finnish) descent in gnomAD. At this time, the clinical significance of this variant is uncertain due to the absence of conclusive functional and genetic evidence.

Blueprint Genetics
Classification: Uncertain significance. Last evaluated: 2021-09-06. Review status: criteria provided, single submitter. Criteria: ACMG Guidelines, 2015. Collection method: clinical testing. Allele origin: germline.